The following is an entry in ClinVar:

ClinVar aggregate classification (germline): Uncertain significance (1 of 4 stars; one submission).

Conditions:
Osteogenesis imperfecta type 8 (OI8). Identifiers: MedGen C1970458, MONDO:0012581, OMIM 610915.

Allele frequency attached by ClinVar (database versions not stated): gnomAD 0.00001; TOPMed 0.00001.

Submission:

Labcorp Genetics (formerly Invitae), Labcorp
Classification: Uncertain significance for Osteogenesis imperfecta type 8. Last evaluated: 2021-11-15. Review status: criteria provided, single submitter. Criteria: Invitae Variant Classification Sherloc (09022015). Collection method: clinical testing. Allele origin: germline.
Comment: This sequence change replaces glycine, which is neutral and non-polar, with serine, which is neutral and polar, at codon 357 of the P3H1 protein (p.Gly357Ser). This variant is not present in population databases (gnomAD no frequency). This variant has not been reported in the literature in individuals affected with P3H1-related conditions. Algorithms developed to predict the effect of missense changes on protein structure and function output the following: SIFT: "Tolerated"; PolyPhen-2: "Benign"; Align-GVGD: "Class C0". The serine amino acid residue is found in multiple mammalian species, which suggests that this missense change does not adversely affect protein function. In summary, the available evidence is currently insufficient to determine the role of this variant in disease. Therefore, it has been classified as a Variant of Uncertain Significance.

NM_022356.4(P3H1):c.1069G>A (p.Gly357Ser)

Gene: P3H1 (prolyl 3-hydroxylase 1; minus strand). Cytogenetic location: 1p34.2.
Variant type: single nucleotide variant.
Coding change: c.1069G>A on transcript NM_022356.4 (MANE Select); coding-DNA position 1069, G replaced by A.
Protein change: p.Gly357Ser; replaces glycine 357 with serine.
Molecular consequence: missense variant.
Genome position (GRCh38, 1-based): chr1:42,757,794, C>T on the plus strand (G>A on the coding strand, the complement: P3H1 is on the minus strand). VCF-style: chr1-42757794-C-T. GRCh37 (hg19) VCF-style: chr1-43223465-C-T.
Other names: c.1069G>A, p.Gly357Ser (NM_001146289.2, NM_001243246.2); short protein forms G357S.
Identifiers: ClinVar variation 1394764 (VCV001394764.3), dbSNP rs1181269848, ClinGen allele CA339958754.